The following is an entry in ClinVar:

NM_000256.3(MYBPC3):c.852-1G>T

Gene: MYBPC3 (myosin binding protein C3; minus strand). Cytogenetic location: 11p11.2.
Variant type: single nucleotide variant.
Coding change: c.852-1G>T on transcript NM_000256.3 (MANE Select); the canonical splice acceptor site of the intron before coding-DNA position 852, G replaced by T.
Molecular consequence: splice acceptor variant.
Genome position (GRCh38, 1-based): chr11:47,347,480, C>A on the plus strand (G>T on the coding strand, the complement: MYBPC3 is on the minus strand). VCF-style: chr11-47347480-C-A. GRCh37 (hg19) VCF-style: chr11-47369031-C-A.
Identifiers: ClinVar variation 162500 (VCV000162500.22), dbSNP rs368121566, ClinGen allele CA015972.

ClinVar aggregate classification (germline): Conflicting classifications of pathogenicity. Review status: criteria provided, conflicting classifications (1 of 4 stars). 7 submissions from 7 submitters: Likely pathogenic (2); Uncertain significance (4). 1 of the submissions does not count toward it. Last evaluated 2026-03-02.

Conditions:
Cardiovascular phenotype. Identifiers: MedGen CN230736.
Cardiomyopathy (CMYO). Also called: Cardiomyopathies. Identifiers: Orphanet 167848, MedGen C0878544, MONDO:0004994, HP:0001638. Inheritance: Various modes of inheritance.
Primary familial hypertrophic cardiomyopathy (HCM). Identifiers: Orphanet 99739, MedGen C0949658, MeSH D024741, MONDO:0024573. Inheritance: Various modes of inheritance.
Hypertrophic cardiomyopathy. Also called: HYPERTROPHIC MYOCARDIOPATHY. Identifiers: Orphanet 217569, MedGen C0007194, MeSH D002312, MONDO:0005045, HP:0001639.

Allele frequency attached by ClinVar (database versions not stated): gnomAD exomes below 0.00001; ExAC 0.00002; ESP Exome Variant Server 0.00008.
gnomAD v4.1: 1 of 1,596,314 alleles (0.000063%); highest among the groups gnomAD compares: Non-Finnish European, 0.000085%; no homozygotes.

Submissions (7):

GeneDx
Classification: Likely pathogenic. Last evaluated: 2026-03-02. Review status: criteria provided, single submitter. Criteria: GeneDx Variant Classification Process June 2021. Collection method: clinical testing. Allele origin: germline.
Comment: Reported previously in an unaffected individual serving as a control for a study of individuals with hypertrophic cardiomyopathy (PMID: 24510615); Canonical splice site variant predicted to result in an in-frame loss of the adjacent exon in a gene for which loss of function is a known mechanism of disease; Not observed at significant frequency in large population cohorts (gnomAD); This variant is associated with the following publications: (PMID: 24510615)

Ambry Genetics
Classification: Uncertain significance for Cardiovascular phenotype. Last evaluated: 2026-02-24. Review status: criteria provided, single submitter. Criteria: Ambry Variant Classification Scheme 2023. Collection method: clinical testing. Allele origin: germline.
Comment: The c.852-1G>T intronic variant results from a G to T substitution one nucleotide before coding exon 9 of the MYBPC3 gene. Variants that disrupt the canonical splice site are expected to result in aberrant splicing. In silico splice site analysis predicts that this alteration will weaken the native splice acceptor site and will result in the creation or strengthening of a novel splice acceptor site. A resulting transcript is predicted to be in-frame and is not expected to trigger nonsense-mediated mRNAdecay; although, direct evidence is unavailable. This nucleotide position is well conserved in available vertebrate species. Based on the available evidence, the clinical significance of this variant remains unclear.

Labcorp Genetics (formerly Invitae), Labcorp
Classification: Likely pathogenic for Hypertrophic cardiomyopathy. Last evaluated: 2024-10-02. Review status: criteria provided, single submitter. Criteria: Invitae Variant Classification Sherloc (09022015). Collection method: clinical testing. Allele origin: germline.
Comment: This sequence change affects an acceptor splice site in intron 8 of the MYBPC3 gene. It is expected to disrupt RNA splicing. Variants that disrupt the donor or acceptor splice site typically lead to a loss of protein function (PMID: 16199547), and loss-of-function variants in MYBPC3 are known to be pathogenic (PMID: 19574547). The frequency data for this variant in the population databases is considered unreliable, as metrics indicate poor data quality at this position in the gnomAD database. This variant has not been reported in the literature in individuals affected with MYBPC3-related conditions. ClinVar contains an entry for this variant (Variation ID: 162500). Algorithms developed to predict the effect of sequence changes on RNA splicing suggest that this variant may disrupt the consensus splice site. In summary, the currently available evidence indicates that the variant is pathogenic, but additional data are needed to prove that conclusively. Therefore, this variant has been classified as Likely Pathogenic.

All of Us Research Program, National Institutes of Health
Classification: Uncertain significance for Hypertrophic cardiomyopathy. Last evaluated: 2024-01-11. Review status: criteria provided, single submitter. Criteria: ACMG Guidelines, 2015. Collection method: clinical testing. Allele origin: germline. Inheritance: Autosomal dominant inheritance. Observed: 2 variant alleles, 2 heterozygotes.
Comment: This variant causes a G to T nucleotide substitution at the -1 position of intron 8 of the MYBPC3 gene. Splice site prediction tools predict that this variant may abolish the native splice acceptor site and create a new acceptor site, which could lead to in-frame inclusion of 6 nucleotides at the beginning of exon 9. To our knowledge, functional studies have not been reported for this variant. This variant has not been reported in individuals affected with MYBPC3-related disorders in the literature but has been reported in an apparently healthy control individual (PMID: 24510615). This variant has not been identified in the general population by the Genome Aggregation Database (gnomAD). Although there is a suspicion that this variant may be associated with disease, additional studies are necessary to determine the role of this variant in disease conclusively. Therefore, this variant is classified as a Variant of Uncertain Significance.

This study involves interpretation of variants in research participants for the purpose of population health screening. Participant phenotype was not available at the time of variant classification. Additional details can be found in publication PMID: 35346344, PMCID: PMC8962531

Color Diagnostics, LLC DBA Color Health
Classification: Uncertain significance for Cardiomyopathy. Last evaluated: 2023-05-05. Review status: criteria provided, single submitter. Criteria: ACMG Guidelines, 2015. Collection method: clinical testing. Allele origin: germline.
Comment: This variant causes a G to T nucleotide substitution at the -1 position of intron 8 of the MYBPC3 gene. Splice site prediction tools predict that this variant may abolish the native splice acceptor site and create a new acceptor site, which could lead to in-frame deletion of 6 nucleotides at the beginning of exon 9. To our knowledge, functional studies have not been reported for this variant. This variant has not been reported in individuals affected with MYBPC3-related disorders in the literature but has been reported in an apparently healthy control individual (PMID: 24510615). This variant has not been identified in the general population by the Genome Aggregation Database (gnomAD). Although there is a suspicion that this variant may be associated with disease, additional studies are necessary to determine the role of this variant in disease conclusively. Therefore, this variant is classified as a Variant of Uncertain Significance.

Laboratory for Molecular Medicine, Mass General Brigham Personalized Medicine
Classification: Uncertain significance. Last evaluated: 2019-07-26. Review status: criteria provided, single submitter. Criteria: LMM Criteria. Collection method: clinical testing. Allele origin: germline. Observed: 2 variant alleles.
Comment: Variant classified as Uncertain Significance - Favor Pathogenic. The c.852-1G>T variant in MYBPC3 has not been reported in any individuals with hypertrophic cardiomyopathy (HCM) but was reported in an ostensibly healthy individual (Kapplinger 2014). This variant has also been reported in ClinVar (Variation ID# 162500). It was absent in the gnomAD database but has been identified in 1/26646 of European alleles in ExAC. This variant occurs in the invariant region (+/- 1,2) of the splice consensus sequence and is predicted to cause altered splicing leading to an abnormal or absent protein. In summary, while there is some suspicion for a pathogenic role, the clinical significance of this variant is uncertain. ACMG/AMP Criteria applied: PVS1_Moderate, PM2.

CSER _CC_NCGL, University of Washington
Classification: Likely pathogenic for Cardiomyopathy, hypertrophic. Last evaluated: 2014-06-01. Review status: no assertion criteria provided. Collection method: research. Allele origin: germline. Inheritance: Autosomal dominant inheritance. Study: ESP 6500 variant annotation. Not counted in ClinVar's aggregate classification.
Comment: Variants classified for the Actionable exomic incidental findings in 6503 participants: challenges of variant classification manuscript

Literature cited by the submitters: PubMed 16199547 (cited by Labcorp Genetics (formerly Invitae), Labcorp); PubMed 19574547 (cited by Labcorp Genetics (formerly Invitae), Labcorp); PubMed 24510615 (cited by 3 submitters).